The following is an entry in ClinVar:

ClinVar aggregate classification (germline): Uncertain significance (1 of 4 stars; one submission).

Conditions:
Autosomal dominant limb-girdle muscular dystrophy type 1F (LGMDD2). Also called: Limb-girdle muscular dystrophy, type 1F; MUSCULAR DYSTROPHY, LIMB-GIRDLE, AUTOSOMAL DOMINANT 2. Identifiers: Orphanet 55595, MedGen C1842062, MONDO:0012034, OMIM 608423.

gnomAD v4.1: 1 of 1,601,386 alleles (0.000062%); highest among the groups gnomAD compares: Non-Finnish European, 0.000085%; no homozygotes.

Submission:

Labcorp Genetics (formerly Invitae), Labcorp
Classification: Uncertain significance for Autosomal dominant limb-girdle muscular dystrophy type 1F. Last evaluated: 2021-12-09. Review status: criteria provided, single submitter. Criteria: Invitae Variant Classification Sherloc (09022015). Collection method: clinical testing. Allele origin: germline.
Comment: Variants that disrupt the consensus splice site are a relatively common cause of aberrant splicing (PMID: 17576681, 9536098). Algorithms developed to predict the effect of sequence changes on RNA splicing suggest that this variant is not likely to affect RNA splicing. This variant has not been reported in the literature in individuals affected with TNPO3-related conditions. This variant is not present in population databases (gnomAD no frequency). This sequence change falls in intron 11 of the TNPO3 gene. It does not directly change the encoded amino acid sequence of the TNPO3 protein. It affects a nucleotide within the consensus splice site. In summary, the available evidence is currently insufficient to determine the role of this variant in disease. Therefore, it has been classified as a Variant of Uncertain Significance.

Literature cited by the submitters: PubMed 17576681; PubMed 9536098.

NM_012470.4(TNPO3):c.1499-3T>C

Gene: TNPO3 (transportin 3; minus strand). Cytogenetic location: 7q32.1.
Variant type: single nucleotide variant.
Coding change: c.1499-3T>C on transcript NM_012470.4 (MANE Select); 3 bases into the intron before coding-DNA position 1499, T replaced by C.
Molecular consequence: intron variant.
Genome position (GRCh38, 1-based): chr7:128,986,923, A>G on the plus strand (T>C on the coding strand, the complement: TNPO3 is on the minus strand). VCF-style: chr7-128986923-A-G. GRCh37 (hg19) VCF-style: chr7-128626977-A-G.
Other names: c.1355-3T>C (NM_001382221.1); c.1352-3T>C (NM_001382222.1); c.1391-3T>C (NM_001382219.1); c.1499-2664T>C (NM_001382223.1, NM_001191028.3); c.1499-3T>C (NM_001382220.1, NM_001382218.1); c.1601-3T>C (NM_001382216.1); c.1580-3T>C (NM_001382217.1).
Identifiers: ClinVar variation 1934082 (VCV001934082.5), dbSNP rs1473640963, ClinGen allele CA2579016646.